The following is an entry in ClinVar:

NM_007262.5(PARK7):c.535G>A (p.Ala179Thr)

Gene: PARK7 (Parkinsonism associated deglycase; plus strand). Cytogenetic location: 1p36.23.
Variant type: single nucleotide variant.
Coding change: c.535G>A on transcript NM_007262.5 (MANE Select); coding-DNA position 535, G replaced by A.
Protein change: p.Ala179Thr; replaces alanine 179 with threonine.
Molecular consequence: missense variant.
Genome position (GRCh38, 1-based): chr1:7,985,019, G>A. VCF-style: chr1-7985019-G-A. GRCh37 (hg19) VCF-style: chr1-8045079-G-A.
Other names: p.Ala179Thr; c.535G>A, p.Ala179Thr (NM_001123377.2); short protein forms A179T.
Identifiers: ClinVar variation 854701 (VCV000854701.29), dbSNP rs71653622, ClinGen allele CA569647.

ClinVar aggregate classification (germline): Uncertain significance. Review status: criteria provided, multiple submitters, no conflicts (2 of 4 stars). 9 submissions from 9 submitters: Uncertain significance (9). Last evaluated 2026-08-06.

Conditions:
Autosomal recessive early-onset Parkinson disease 7. Identifiers: Orphanet 2828, MedGen C1853445, MONDO:0011658, OMIM 606324.

Allele frequency attached by ClinVar (database versions not stated): 1000 Genomes Project 30x 0.00016; 1000 Genomes Project 0.00020; TOPMed 0.00036; ESP Exome Variant Server 0.00046; gnomAD 0.00046 and 0.00048; gnomAD exomes 0.00057 and 0.00063; ExAC 0.00062.
gnomAD v4.1: 984 of 1,614,186 alleles (0.061%); highest among the groups gnomAD compares: East Asian, 0.11%; no homozygotes.

Submissions (9):

OLLIN Analises Genomicas, OLLIN
Classification: Uncertain significance for Autosomal recessive early-onset Parkinson disease 7. Last evaluated: 2026-08-06. Review status: criteria provided, single submitter. Criteria: ACMG Guidelines 2015 PMID 25741868. Collection method: clinical testing. Allele origin: germline.
Comment: This missense variant, located in exon 7 (of 7), has been reported in ClinVar (accession VCV000854701.26), in gnomAD with an allele frequency of 0.061%, and in the scientific literature in individuals with PARK7 related disorders (PMID: 23241025, 28993701). In silico analysis predicts that this variant has a tolerated effect. Functional studies suggest that this variant does not significantly affect protein function (PMID: 23241025, 28993701). According to the currently available evidence, this variant has been classified as uncertain significance (PM2_P, BP4_M, BS3_P).

GeneDx
Classification: Uncertain significance. Last evaluated: 2025-10-07. Review status: criteria provided, single submitter. Criteria: GeneDx Variant Classification Process June 2021. Collection method: clinical testing. Allele origin: germline. Affected: yes.
Comment: Identified in the heterozygous state in patients with Parkinson disease; however, a second PARK7 variant was not reported (PMID: 27094865, 19405094); Identified in a patient with Alzheimer's disease; however, variants in other genes that may have been responsible for the phenotype were also reported (PMID: 31182772); In silico analysis suggests that this missense variant does not alter protein structure/function; This variant is associated with the following publications: (PMID: 19405094, 23241025, 27270837, 19686841, 29887346, 28993701, 18973254, 37750340, 33795807, 31182772, 35893043, 27094865, 36609826, 23881933)

CeGaT Center for Human Genetics Tuebingen
Classification: Uncertain significance. Last evaluated: 2025-01-01. Review status: criteria provided, single submitter. Criteria: CeGaT Center For Human Genetics Tuebingen Variant Classification Criteria Version 2. Collection method: clinical testing. Allele origin: germline. Affected: yes. Observed: 2 variant alleles.
Comment: PARK7: PM2, BP4

Blueprint Genetics
Classification: Uncertain significance. Last evaluated: 2024-11-14. Review status: criteria provided, single submitter. Criteria: ACMG Guidelines, 2015. Collection method: clinical testing. Allele origin: germline.

Women's Health and Genetics/Laboratory Corporation of America, LabCorp
Classification: Uncertain significance. Last evaluated: 2023-11-17. Review status: criteria provided, single submitter. Criteria: LabCorp Variant Classification Summary - May 2015. Collection method: clinical testing. Allele origin: germline.
Comment: Variant summary: PARK7 c.535G>A (p.Ala179Thr) results in a non-conservative amino acid change located in the C-terminal H helix (Macedo_2009) of the encoded protein sequence. Four of five in-silico tools predict a benign effect of the variant on protein function. The variant allele was found at a frequency of 0.00057 in 254708 control chromosomes (gnomAD and publication data). c.535G>A has been reported in the literature in individuals affected with Autosomal Recessive Early-Onset Parkinson Disease 7, early-onset Alzheimers disease or amyotrophic lateral sclerosis (Macedo_2009, Kenna_2013, Benitez_2016, Diez-Fairen_2018, Giau_2019, Vacchiano_2022, Palomba_2023). These reports do not provide unequivocal conclusions about association of the variant with Autosomal Recessive Early-Onset Parkinson Disease 7. Functional studies reported experimental evidence evaluating an impact on protein function and showed no damaging effect of this variant (Matsuda_2017, Snchez-Lanzas_2021). The following publications have been ascertained in the context of this evaluation (PMID: 27094865, 29887346, 31182772, 23881933, 27270837, 18973254, 28993701, 36609826, 23241025, 33795807, 35893043). Three submitters have cited clinical-significance assessments for this variant to ClinVar after 2014. All submitters classified the variant as uncertain significance. Based on the evidence outlined above, the variant was classified as uncertain significance.

Mayo Clinic Laboratories, Mayo Clinic
Classification: Uncertain significance. Last evaluated: 2023-10-05. Review status: criteria provided, single submitter. Criteria: ACMG Guidelines, 2015. Collection method: clinical testing. Allele origin: germline. Observed: 1 variant allele.
Comment: BP4

Labcorp Genetics (formerly Invitae), Labcorp
Classification: Uncertain significance for Autosomal recessive early-onset Parkinson disease 7. Last evaluated: 2022-09-13. Review status: criteria provided, single submitter. Criteria: Invitae Variant Classification Sherloc (09022015). Collection method: clinical testing. Allele origin: germline.
Comment: This sequence change replaces alanine, which is neutral and non-polar, with threonine, which is neutral and polar, at codon 179 of the PARK7 protein (p.Ala179Thr). This variant is present in population databases (rs71653622, gnomAD 0.1%), and has an allele count higher than expected for a pathogenic variant. This missense change has been observed in individual(s) with Parkinson disease (PMID: 18973254). ClinVar contains an entry for this variant (Variation ID: 854701). Algorithms developed to predict the effect of missense changes on protein structure and function (SIFT, PolyPhen-2, Align-GVGD) all suggest that this variant is likely to be tolerated. Experimental studies have shown that this missense change does not substantially affect PARK7 function (PMID: 23241025, 28993701). In summary, the available evidence is currently insufficient to determine the role of this variant in disease. Therefore, it has been classified as a Variant of Uncertain Significance.

Illumina Laboratory Services, Illumina
Classification: Uncertain significance for Autosomal recessive early-onset Parkinson disease 7. Last evaluated: 2017-04-27. Review status: criteria provided, single submitter. Criteria: ICSL Variant Classification Criteria 13 December 2019. Collection method: clinical testing. Allele origin: germline.
Comment: This variant was observed as part of a predisposition screen in an ostensibly healthy population. A literature search was performed for the gene, cDNA change, and amino acid change (where applicable). Publications were found based on this search. However, the evidence from the literature, in combination with allele frequency data from public databases where available, was not sufficient to rule this variant in or out of causing disease. Therefore, this variant is classified as a variant of unknown significance.

Breakthrough Genomics
Classification: Uncertain significance. Review status: criteria provided, single submitter. Criteria: ACMG Guidelines, 2015. Collection method: not provided. Allele origin: germline. Inheritance: Autosomal recessive inheritance. Affected: yes.

Literature cited by the submitters: PubMed 23241025 (cited by 4 submitters); PubMed 28993701 (cited by 4 submitters); PubMed 27094865 (cited by Women's Health and Genetics/Laboratory Corporation of America, LabCorp and Mayo Clinic Laboratories, Mayo Clinic); PubMed 23881933 (cited by Women's Health and Genetics/Laboratory Corporation of America, LabCorp); PubMed 29887346 (cited by Women's Health and Genetics/Laboratory Corporation of America, LabCorp); PubMed 31182772 (cited by Women's Health and Genetics/Laboratory Corporation of America, LabCorp and Mayo Clinic Laboratories, Mayo Clinic); PubMed 27270837 (cited by Women's Health and Genetics/Laboratory Corporation of America, LabCorp); PubMed 18973254 (cited by 3 submitters); PubMed 36609826 (cited by Women's Health and Genetics/Laboratory Corporation of America, LabCorp); PubMed 33795807 (cited by Women's Health and Genetics/Laboratory Corporation of America, LabCorp); PubMed 35893043 (cited by Women's Health and Genetics/Laboratory Corporation of America, LabCorp); PubMed 19405094 (cited by Mayo Clinic Laboratories, Mayo Clinic and Illumina Laboratory Services, Illumina).